The following is an entry in ClinVar:

NM_005359.6(SMAD4):c.49C>T (p.Leu17=)

Gene: SMAD4 (SMAD family member 4; plus strand). Cytogenetic location: 18q21.2.
Variant type: single nucleotide variant.
Coding change: c.49C>T on transcript NM_005359.6 (MANE Select); coding-DNA position 49, C replaced by T.
Protein change: p.Leu17=; no amino-acid change (leucine 17 retained).
Molecular consequence: synonymous variant.
Genome position (GRCh38, 1-based): chr18:51,047,095, C>T. VCF-style: chr18-51047095-C-T. GRCh37 (hg19) VCF-style: chr18-48573465-C-T.
Identifiers: ClinVar variation 496290 (VCV000496290.16), dbSNP rs1555684997, ClinGen allele CA503873413.

ClinVar aggregate classification (germline): Benign/Likely benign. Review status: criteria provided, multiple submitters, no conflicts (2 of 4 stars). 4 submissions from 4 submitters: Benign (1); Likely benign (3). Last evaluated 2026-01-28.

Conditions:
Juvenile polyposis syndrome (JPS). Identifiers: Orphanet 2929, MedGen C0345893, MONDO:0017380, OMIM 174900.
Hereditary cancer-predisposing syndrome. Also called: Hereditary neoplastic syndrome; Tumor predisposition; Neoplastic Syndromes, Hereditary; Hereditary Cancer Syndrome. Identifiers: Orphanet 140162, MedGen C0027672, MeSH D009386, MONDO:0015356.
Familial thoracic aortic aneurysm and aortic dissection (TAAD). Also called: Thoracic aortic aneurysms and dissections. Identifiers: Orphanet 91387, MedGen C4707243, MONDO:0019625.
Juvenile polyposis/hereditary hemorrhagic telangiectasia syndrome (JPHT). Also called: Juvenile Polyposis Syndrome / Hereditary Hemorrhagic Telangiectasia (JPS/HHT); JP/HHT SYNDROME; JUVENILE POLYPOSIS WITH HEREDITARY HEMORRHAGIC TELANGIECTASIA; POLYPOSIS, GENERALIZED JUVENILE, WITH PULMONARY ARTERIOVENOUS MALFORMATION; TELANGIECTASIA, HEREDITARY HEMORRHAGIC, WITH JUVENILE POLYPOSIS COLI. Identifiers: Orphanet 2929, MedGen C1832942, MONDO:0008278, OMIM 175050.

Allele frequency attached by ClinVar (database versions not stated): gnomAD exomes below 0.00001.
gnomAD v4.1: 1 of 1,613,594 alleles (0.000062%); highest among the groups gnomAD compares: Non-Finnish European, 0.000085%; no homozygotes.

Submissions (4):

Labcorp Genetics (formerly Invitae), Labcorp
Classification: Likely benign for Juvenile polyposis syndrome. Last evaluated: 2026-01-28. Review status: criteria provided, single submitter. Criteria: Invitae Variant Classification Sherloc (09022015). Collection method: clinical testing. Allele origin: germline.

Myriad Genetics, Inc.
Classification: Benign for Juvenile polyposis/hereditary hemorrhagic telangiectasia syndrome. Last evaluated: 2025-03-18. Review status: criteria provided, single submitter. Criteria: Myriad Autosomal Dominant, Autosomal Recessive and X-Linked Classification Criteria (2023). Collection method: clinical testing. Allele origin: unknown.
Comment: This variant is considered benign. This variant is a silent/synonymous amino acid change and it is not expected to impact splicing.

Ambry Genetics
Classification: Likely benign for Hereditary cancer-predisposing syndrome; Familial thoracic aortic aneurysm and aortic dissection. Last evaluated: 2022-03-14. Review status: criteria provided, single submitter. Criteria: Ambry Variant Classification Scheme 2023. Collection method: clinical testing. Allele origin: germline.

Women's Health and Genetics/Laboratory Corporation of America, LabCorp
Classification: Likely benign. Last evaluated: 2019-08-29. Review status: criteria provided, single submitter. Criteria: LabCorp Variant Classification Summary - May 2015. Collection method: clinical testing. Allele origin: germline.